The following is an entry in ClinVar:

NM_001202.6(BMP4):c.338G>A (p.Arg113Gln)

Gene: BMP4 (bone morphogenetic protein 4; minus strand). Cytogenetic location: 14q22.2.
Variant type: single nucleotide variant.
Coding change: c.338G>A on transcript NM_001202.6 (MANE Select); coding-DNA position 338, G replaced by A.
Protein change: p.Arg113Gln; replaces arginine 113 with glutamine.
Molecular consequence: missense variant.
Genome position (GRCh38, 1-based): chr14:53,951,885, C>T on the plus strand (G>A on the coding strand, the complement: BMP4 is on the minus strand). VCF-style: chr14-53951885-C-T. GRCh37 (hg19) VCF-style: chr14-54418603-C-T.
Other names: c.479G>A, p.Arg160Gln (NM_001347912.1); c.149G>A, p.Arg50Gln (NM_001347913.2, NM_001347915.2, NM_001347917.1); c.338G>A, p.Arg113Gln (NM_001347914.2, NM_001347916.1, NM_130850.5 and 1 more transcripts); short protein forms R113Q, R160Q, R50Q.
Identifiers: ClinVar variation 3134542 (VCV003134542.3), dbSNP rs549252141, ClinGen allele CA7191789.

ClinVar aggregate classification (germline): Uncertain significance. Review status: criteria provided, multiple submitters, no conflicts (2 of 4 stars). 3 submissions from 3 submitters: Uncertain significance (3). Last evaluated 2025-05-19.

Conditions:
Inborn genetic diseases. Identifiers: MedGen C0950123, MeSH D030342.
Microphthalmia with brain and digit anomalies (MCOPS6). Also called: MICROPHTHALMIA AND PITUITARY ANOMALIES; Microphthalmia, syndromic 6. Identifiers: Orphanet 139471, MedGen C1864689, MONDO:0011936, OMIM 607932.
Orofacial cleft 11 (OFC11). Also called: CLEFT LIP WITH OR WITHOUT CLEFT PALATE, NONSYNDROMIC, 11; Orofacial cleft 11; ofc11. Identifiers: MedGen C2677434, MONDO:0010906, OMIM 600625.

Allele frequency attached by ClinVar (database versions not stated): 1000 Genomes Project 30x 0.00031; 1000 Genomes Project 0.00040.

Submissions (3):

Labcorp Genetics (formerly Invitae), Labcorp
Classification: Uncertain significance for Microphthalmia with brain and digit anomalies; Orofacial cleft 11. Last evaluated: 2025-05-19. Review status: criteria provided, single submitter. Criteria: Invitae Variant Classification Sherloc (09022015). Collection method: clinical testing. Allele origin: germline.
Comment: This sequence change replaces arginine, which is basic and polar, with glutamine, which is neutral and polar, at codon 113 of the BMP4 protein (p.Arg113Gln). This variant is present in population databases (rs549252141, gnomAD 0.01%). This variant has not been reported in the literature in individuals affected with BMP4-related conditions. ClinVar contains an entry for this variant (Variation ID: 3134542). Invitae Evidence Modeling of protein sequence and biophysical properties (such as structural, functional, and spatial information, amino acid conservation, physicochemical variation, residue mobility, and thermodynamic stability) indicates that this missense variant is not expected to disrupt BMP4 protein function with a negative predictive value of 80%. In summary, the available evidence is currently insufficient to determine the role of this variant in disease. Therefore, it has been classified as a Variant of Uncertain Significance.

Fulgent Genetics
Classification: Uncertain significance for Orofacial cleft 11; Microphthalmia with brain and digit anomalies. Last evaluated: 2024-04-23. Review status: criteria provided, single submitter. Criteria: ACMG Guidelines, 2015. Collection method: clinical testing. Allele origin: germline.

Ambry Genetics
Classification: Uncertain significance for Inborn genetic diseases. Last evaluated: 2023-09-25. Review status: criteria provided, single submitter. Criteria: Ambry Variant Classification Scheme 2023. Collection method: clinical testing. Allele origin: germline.